The following is an entry in ClinVar:

NM_016111.4(TELO2):c.1842+5G>A

Gene: TELO2 (telomere maintenance 2; plus strand). Cytogenetic location: 16p13.3.
Variant type: single nucleotide variant.
Coding change: c.1842+5G>A on transcript NM_016111.4 (MANE Select); 5 bases into the intron after coding-DNA position 1842, G replaced by A.
Molecular consequence: intron variant.
Genome position (GRCh38, 1-based): chr16:1,503,007, G>A. VCF-style: chr16-1503007-G-A. GRCh37 (hg19) VCF-style: chr16-1553008-G-A.
Other names: c.1842+5G>A (NM_001351846.2).
Identifiers: ClinVar variation 1207111 (VCV001207111.4), dbSNP rs758551997, ClinGen allele CA7812355.
Genomic context (GRCh38, chr16:1,503,007, plus strand): 5'-CCTCACAGTTCTATGCCCTCAACTACAGCCTCCGGCAGCGCATGGACATCCTGGATGTAA[G>A]TGCCTCCTGGGCCTCAGTCCCCCTGGTCTGGCCCAAGCTGCCCTAAGGTGGGGCTGCCAA-3'

ClinVar aggregate classification (germline): Conflicting classifications of pathogenicity. Review status: criteria provided, conflicting classifications (1 of 4 stars). 2 submissions from 2 submitters: Pathogenic (1); Uncertain significance (1). Last evaluated 2022-05-04.

Conditions:
TELO2-related intellectual disability-neurodevelopmental disorder. Also called: You-Hoover-Fong syndrome. Identifiers: Orphanet 488642, MedGen C4310778, MONDO:0014848, OMIM 616954.

Allele frequency attached by ClinVar (database versions not stated): gnomAD exomes below 0.00001; ExAC 0.00001; gnomAD 0.00001; TOPMed 0.00002.
gnomAD v4.1: 10 of 1,609,488 alleles (0.00062%); highest among the groups gnomAD compares: Admixed American, 0.005%; no homozygotes.

Submissions (2):

Mendelics
Classification: Pathogenic for TELO2-related intellectual disability-neurodevelopmental disorder. Last evaluated: 2022-05-04. Review status: criteria provided, single submitter. Criteria: Mendelics Assertion Criteria 2019. Collection method: clinical testing. Allele origin: germline.

GeneDx
Classification: Uncertain significance. Last evaluated: 2020-03-23. Review status: criteria provided, single submitter. Criteria: GeneDx Variant Classification Process June 2021. Collection method: clinical testing. Allele origin: germline. Affected: yes.
Comment: Not observed at a significant frequency in large population cohorts (Lek et al., 2016); In silico analysis, which includes splice predictors and evolutionary conservation, supports a deleterious effect; Has not been previously published as pathogenic or benign to our knowledge